The following is an entry in ClinVar:

NM_001165963.4(SCN1A):c.367A>G (p.Lys123Glu)

Gene: SCN1A (sodium voltage-gated channel alpha subunit 1; minus strand). Cytogenetic location: 2q24.3.
Variant type: single nucleotide variant.
Coding change: c.367A>G on transcript NM_001165963.4 (MANE Select); coding-DNA position 367, A replaced by G.
Protein change: p.Lys123Glu; replaces lysine 123 with glutamic acid.
Molecular consequence: missense variant. On other transcripts: 5 prime UTR variant (1), non-coding transcript variant (1).
Genome position (GRCh38, 1-based): chr2:166,058,586, T>C on the plus strand (A>G on the coding strand, the complement: SCN1A is on the minus strand). VCF-style: chr2-166058586-T-C. GRCh37 (hg19) VCF-style: chr2-166915096-T-C.
Other names: c.367A>G, p.Lys123Glu (NM_001353952.2, NM_001353954.2, NM_001353955.2 and 10 more transcripts); c.-2059A>G (NM_001353961.2); short protein forms K123E.
Identifiers: ClinVar variation 3634067 (VCV003634067.2).
Genomic context (GRCh38, chr2:166,058,586, plus strand): 5'-GATCATGTACAAATAGTTAATATTAATCACTTGAAAAAGGATATGAATGTACCAAAATCT[T>C]AATAGCTATTTTCCTAAGAGGATTGAAGGGAGTTAAAATGTACAGGGCAGAGGTGGCACT-3'
Protein context (NP_001159435.1, residues 113-133): PFNPLRKIAI[Lys123Glu]ILVHSLFSML

ClinVar aggregate classification (germline): Uncertain significance (1 of 4 stars; one submission).

Conditions:
Early-infantile DEE. Also called: Early infantile epileptic encephalopathy; Ohtahara syndrome; Early infantile epileptic encephalopathy with suppression bursts. Identifiers: Orphanet 1934, MedGen C0393706, MONDO:0800491.

Submission:

Labcorp Genetics (formerly Invitae), Labcorp
Classification: Uncertain significance for Early-infantile DEE. Last evaluated: 2024-09-18. Review status: criteria provided, single submitter. Criteria: Invitae Variant Classification Sherloc (09022015). Collection method: clinical testing. Allele origin: germline.
Comment: This sequence change replaces lysine, which is basic and polar, with glutamic acid, which is acidic and polar, at codon 123 of the SCN1A protein (p.Lys123Glu). This variant is not present in population databases (gnomAD no frequency). This variant has not been reported in the literature in individuals affected with SCN1A-related conditions. Invitae Evidence Modeling of protein sequence and biophysical properties (such as structural, functional, and spatial information, amino acid conservation, physicochemical variation, residue mobility, and thermodynamic stability) indicates that this missense variant is expected to disrupt SCN1A protein function with a positive predictive value of 95%. In summary, the available evidence is currently insufficient to determine the role of this variant in disease. Therefore, it has been classified as a Variant of Uncertain Significance.